The following is an entry in ClinVar:

NM_000492.3:c.2909-833_3468+1372dup

Gene: CFTR (CF transmembrane conductance regulator; plus strand).
Variant type: Duplication.
Identifiers: ClinVar variation 4280060 (VCV004280060.1).

ClinVar aggregate classification (germline): Pathogenic (1 of 4 stars; one submission).

Conditions:
Cystic fibrosis (CF). Also called: MUCOVISCIDOSIS. Identifiers: Orphanet 586, MedGen C0010674, MONDO:0009061, OMIM 219700. Disease mechanism: loss of function.

Submission:

Johns Hopkins Genomics, Johns Hopkins University
Classification: Pathogenic for Cystic fibrosis. Last evaluated: 2024-05-08. Review status: criteria provided, single submitter. Criteria: ACMG Guidelines, 2015. Collection method: clinical testing. Allele origin: germline.
Comment: A duplication of exons 18-22 (legacy exons 16-18) was identified. We consider this duplication to be pathogenic.